The following is an entry in ClinVar:

NM_006206.6(PDGFRA):c.1061T>C (p.Leu354Pro)

Gene: PDGFRA (platelet derived growth factor receptor alpha; plus strand). Cytogenetic location: 4q12.
Variant type: single nucleotide variant.
Coding change: c.1061T>C on transcript NM_006206.6 (MANE Select); coding-DNA position 1061, T replaced by C.
Protein change: p.Leu354Pro; replaces leucine 354 with proline.
Molecular consequence: missense variant.
Genome position (GRCh38, 1-based): chr4:54,267,681, T>C. VCF-style: chr4-54267681-T-C. GRCh37 (hg19) VCF-style: chr4-55133848-T-C.
Other names: c.1061T>C, p.Leu354Pro (NM_001347827.2, NM_001347829.2); c.1136T>C, p.Leu379Pro (NM_001347828.2); c.1100T>C, p.Leu367Pro (NM_001347830.2); short protein forms L354P, L367P, L379P.
Identifiers: ClinVar variation 3225257 (VCV003225257.1), dbSNP rs2475456294, ClinGen allele CA356891713.

ClinVar aggregate classification (germline): Uncertain significance (1 of 4 stars; one submission).

Conditions:
Hereditary cancer-predisposing syndrome. Also called: Neoplastic Syndromes, Hereditary; Tumor predisposition; Hereditary neoplastic syndrome; Hereditary Cancer Syndrome. Identifiers: Orphanet 140162, MedGen C0027672, MeSH D009386, MONDO:0015356.

Submission:

Ambry Genetics
Classification: Uncertain significance for Hereditary cancer-predisposing syndrome. Last evaluated: 2023-12-31. Review status: criteria provided, single submitter. Criteria: Ambry Variant Classification Scheme 2023. Collection method: clinical testing. Allele origin: germline.
Comment: The p.L354P variant (also known as c.1061T>C), located in coding exon 6 of the PDGFRA gene, results from a T to C substitution at nucleotide position 1061. The leucine at codon 354 is replaced by proline, an amino acid with similar properties. This amino acid position is conserved. In addition, this alteration is predicted to be tolerated by in silico analysis. Since supporting evidence is limited at this time, the clinical significance of this alteration remains unclear.